The following is an entry in ClinVar:

ClinVar aggregate classification (germline): Uncertain significance (1 of 4 stars; one submission).

Conditions:
Hereditary cancer-predisposing syndrome. Also called: Tumor predisposition; Hereditary Cancer Syndrome; Hereditary neoplastic syndrome; Neoplastic Syndromes, Hereditary. Identifiers: Orphanet 140162, MedGen C0027672, MeSH D009386, MONDO:0015356.

Allele frequency attached by ClinVar (database versions not stated): gnomAD exomes below 0.00001.
gnomAD v4.1: 1 of 1,614,174 alleles (0.000062%); highest among the groups gnomAD compares: East Asian, 0.0022%; no homozygotes.

Submission:

Ambry Genetics
Classification: Uncertain significance for Hereditary cancer-predisposing syndrome. Last evaluated: 2026-06-10. Review status: criteria provided, single submitter. Criteria: Ambry Variant Classification Scheme 2023. Collection method: clinical testing. Allele origin: germline.
Comment: The p.H318R variant (also known as c.953A>G), located in coding exon 7 of the FH gene, results from an A to G substitution at nucleotide position 953. The histidine at codon 318 is replaced by arginine, an amino acid with highly similar properties. This variant was identified in two related patients with Cushing syndrome caused by bilateral hyperplasia or adenoma, and loss of heterozygosity (LOH) of the FH gene was seen in adrenal tissue (Berthon A et al. J Clin Endocrinol Metab, 2020 Nov;105:e4183-4). This amino acid position is highly conserved in available vertebrate species. In addition, this alteration is predicted to be deleterious by in silico analysis. Based on the available evidence, the clinical significance of this variant remains unclear.

Literature cited by the submitters: PubMed 32808982.

NM_000143.4(FH):c.953A>G (p.His318Arg)

Gene: FH (fumarate hydratase; minus strand). Cytogenetic location: 1q43.
Variant type: single nucleotide variant.
Coding change: c.953A>G on transcript NM_000143.4 (MANE Select); coding-DNA position 953, A replaced by G.
Protein change: p.His318Arg; replaces histidine 318 with arginine.
Molecular consequence: missense variant.
Genome position (GRCh38, 1-based): chr1:241,504,197, T>C on the plus strand (A>G on the coding strand, the complement: FH is on the minus strand). VCF-style: chr1-241504197-T-C. GRCh37 (hg19) VCF-style: chr1-241667497-T-C.
Other names: short protein forms H318R.
Identifiers: ClinVar variation 2452773 (VCV002452773.3), dbSNP rs755449276, ClinGen allele CA1478569.